The following is an entry in ClinVar:

NM_024884.3(L2HGDH):c.262C>T (p.His88Tyr)

Gene: L2HGDH (L-2-hydroxyglutarate dehydrogenase; minus strand). Cytogenetic location: 14q21.3.
Variant type: single nucleotide variant.
Coding change: c.262C>T on transcript NM_024884.3 (MANE Select); coding-DNA position 262, C replaced by T.
Protein change: p.His88Tyr; replaces histidine 88 with tyrosine.
Molecular consequence: missense variant.
Genome position (GRCh38, 1-based): chr14:50,302,163, G>A on the plus strand (C>T on the coding strand, the complement: L2HGDH is on the minus strand). VCF-style: chr14-50302163-G-A. GRCh37 (hg19) VCF-style: chr14-50768881-G-A.
Other names: short protein forms H88Y.
Identifiers: ClinVar variation 1395986 (VCV001395986.6), dbSNP rs2030450370, ClinGen allele CA389659438.
Genomic context (GRCh38, chr14:50,302,163, plus strand): 5'-GAGACTCAGGTTTATAATAAATTCCACTATGTATGACACCACTGTTATGTCCAGTCTGGT[G>A]AACAGCTACAGAACAAGAGAAACAGGGTAAGAGTAAGTACATGATTCATACAAAACATAA-3'
Protein context (NP_079160.1, residues 78-98): VLEKEKDLAV[His88Tyr]QTGHNSGVIH

ClinVar aggregate classification (germline): Uncertain significance (1 of 4 stars; one submission).

Conditions:
L-2-hydroxyglutaric aciduria (L2HGA). Identifiers: Orphanet 79314, MedGen C1855995, MONDO:0009370, OMIM 236792, HP:0040144.

Allele frequency attached by ClinVar (database versions not stated): gnomAD 0.00001.

Submission:

Labcorp Genetics (formerly Invitae), Labcorp
Classification: Uncertain significance for L-2-hydroxyglutaric aciduria. Last evaluated: 2024-02-24. Review status: criteria provided, single submitter. Criteria: Invitae Variant Classification Sherloc (09022015). Collection method: clinical testing. Allele origin: germline.
Comment: This sequence change replaces histidine, which is basic and polar, with tyrosine, which is neutral and polar, at codon 88 of the L2HGDH protein (p.His88Tyr). This variant is not present in population databases (gnomAD no frequency). This variant has not been reported in the literature in individuals affected with L2HGDH-related conditions. ClinVar contains an entry for this variant (Variation ID: 1395986). Advanced modeling of protein sequence and biophysical properties (such as structural, functional, and spatial information, amino acid conservation, physicochemical variation, residue mobility, and thermodynamic stability) performed at Invitae indicates that this missense variant is expected to disrupt L2HGDH protein function with a positive predictive value of 80%. In summary, the available evidence is currently insufficient to determine the role of this variant in disease. Therefore, it has been classified as a Variant of Uncertain Significance.